The following is an entry in ClinVar:

ClinVar aggregate classification (germline): Uncertain significance. Review status: criteria provided, multiple submitters, no conflicts (2 of 4 stars). 2 submissions from 2 submitters: Uncertain significance (2). Last evaluated 2025-03-31.

Conditions:
Hereditary nonpolyposis colorectal neoplasms. Identifiers: MedGen C0009405, MeSH D003123.

Submissions (2):

Labcorp Genetics (formerly Invitae), Labcorp
Classification: Uncertain significance for Hereditary nonpolyposis colorectal neoplasms. Last evaluated: 2025-03-31. Review status: criteria provided, single submitter. Criteria: Invitae Variant Classification Sherloc (09022015). Collection method: clinical testing. Allele origin: germline.
Comment: This sequence change replaces aspartic acid, which is acidic and polar, with glycine, which is neutral and non-polar, at codon 713 of the MSH6 protein (p.Asp713Gly). This variant is not present in population databases (gnomAD no frequency). This variant has not been reported in the literature in individuals affected with MSH6-related conditions. ClinVar contains an entry for this variant (Variation ID: 182632). Invitae Evidence Modeling of protein sequence and biophysical properties (such as structural, functional, and spatial information, amino acid conservation, physicochemical variation, residue mobility, and thermodynamic stability) indicates that this missense variant is not expected to disrupt MSH6 protein function with a negative predictive value of 95%. In summary, the available evidence is currently insufficient to determine the role of this variant in disease. Therefore, it has been classified as a Variant of Uncertain Significance.

GeneDx
Classification: Uncertain significance. Last evaluated: 2014-06-23. Review status: criteria provided, single submitter. Criteria: GeneDx Variant Classification (06012015). Collection method: clinical testing. Allele origin: germline. Affected: yes.
Comment: This variant is denoted MSH6 c.2138A>G at the cDNA level, p.Asp713Gly (D713G) at the protein level, and results in the change of an Aspartic Acid to a Glycine (GAT>GGT). This variant has not, to our knowledge, been published in the literature as pathogenic or benign. MSH6 Asp713Gly was not observed in approximately 6,500 individuals of European and African American ancestry in the NHLBI Exome Sequencing Project, indicating it is not a common benign variant in these populations. Since Aspartic Acid and Glycine differ in polarity, charge, size or other properties, this is considered a non-conservative amino acid substitution. MSH6 Asp713Gly occurs at a position that is well conserved across species and is located in the MutS domain (Terui 2013). In silico analyses predict that this variant is probably damaging to protein structure and function. Based on currently available information, it is unclear whether MSH6 Asp713Gly is pathogenic or benign. We consider it to be a variant of uncertain significance.

NM_000179.3(MSH6):c.2138A>G (p.Asp713Gly)

Gene: MSH6 (mutS homolog 6; plus strand). Cytogenetic location: 2p16.3.
Variant type: single nucleotide variant.
Coding change: c.2138A>G on transcript NM_000179.3 (MANE Select); coding-DNA position 2138, A replaced by G.
Protein change: p.Asp713Gly; replaces aspartic acid 713 with glycine.
Molecular consequence: missense variant.
Genome position (GRCh38, 1-based): chr2:47,800,121, A>G. VCF-style: chr2-47800121-A-G. GRCh37 (hg19) VCF-style: chr2-48027260-A-G.
Other names: p.D713G:GAT>GGT; c.1748A>G, p.Asp583Gly (NM_001281492.2); c.1232A>G, p.Asp411Gly (NM_001281493.2, NM_001281494.2); short protein forms D713G, D583G, D411G.
Identifiers: ClinVar variation 182632 (VCV000182632.12), dbSNP rs730881795, ClinGen allele CA009716.